The following is an entry in ClinVar:

ClinVar aggregate classification (germline): Uncertain significance. Review status: criteria provided, multiple submitters, no conflicts (2 of 4 stars). 2 submissions from 2 submitters: Uncertain significance (2). Last evaluated 2025-04-14.

Conditions:
GIGYF2-related disorder. Also called: GIGYF2-related condition.

Allele frequency attached by ClinVar (database versions not stated): ExAC 0.00003; gnomAD 0.00004.
gnomAD v4.1: 59 of 1,372,166 alleles (0.0043%); highest among the groups gnomAD compares: East Asian, 0.018%; no homozygotes.

Submissions (2):

PreventionGenetics, part of Exact Sciences
Classification: Uncertain significance for GIGYF2-related condition. Last evaluated: 2025-04-14. Review status: criteria provided, single submitter. Criteria: ACMG Guidelines, 2015. Collection method: clinical testing. Allele origin: germline.
Comment: The GIGYF2 c.2386C>T variant is predicted to result in the amino acid substitution p.Arg796Cys. To our knowledge, this variant has not been reported in the literature. This variant is reported in 0.0063% of alleles in individuals of European (Non-Finnish) descent in gnomAD. At this time, the clinical significance of this variant is uncertain due to the absence of conclusive functional and genetic evidence.

Ambry Genetics
Classification: Uncertain significance. Last evaluated: 2023-03-01. Review status: criteria provided, single submitter. Criteria: Ambry Variant Classification Scheme 2023. Collection method: clinical testing. Allele origin: germline.

NM_001103146.3(GIGYF2):c.2386C>T (p.Arg796Cys)

Gene: GIGYF2 (GRB10 interacting GYF protein 2; plus strand). Cytogenetic location: 2q37.1.
Variant type: single nucleotide variant.
Coding change: c.2386C>T on transcript NM_001103146.3 (MANE Select); coding-DNA position 2386, C replaced by T.
Protein change: p.Arg796Cys; replaces arginine 796 with cysteine.
Molecular consequence: missense variant. On other transcripts: non-coding transcript variant (1).
Genome position (GRCh38, 1-based): chr2:232,819,842, C>T. VCF-style: chr2-232819842-C-T. GRCh37 (hg19) VCF-style: chr2-233684552-C-T.
Other names: c.2449C>T, p.Arg817Cys (NM_001103147.2); c.2368C>T, p.Arg790Cys (NM_001103148.2); c.2386C>T, p.Arg796Cys (NM_015575.4); short protein forms R817C, R790C, R796C.
Identifiers: ClinVar variation 2492952 (VCV002492952.3), dbSNP rs766102116, ClinGen allele CA2170625.